The following is an entry in ClinVar:

ClinVar aggregate classification (germline): Uncertain significance (1 of 4 stars; one submission).

Conditions:
Inborn genetic diseases. Identifiers: MedGen C0950123, MeSH D030342.

Submission:

Ambry Genetics
Classification: Uncertain significance for Inborn genetic diseases. Last evaluated: 2024-09-30. Review status: criteria provided, single submitter. Criteria: Ambry Variant Classification Scheme 2023. Collection method: clinical testing. Allele origin: germline.
Comment: The p.P499L variant (also known as c.1496C>T), located in coding exon 13 of the LRRK2 gene, results from a C to T substitution at nucleotide position 1496. The proline at codon 499 is replaced by leucine, an amino acid with similar properties. This amino acid position is conserved. In addition, this alteration is predicted to be tolerated by in silico analysis. Based on the available evidence, the clinical significance of this variant remains unclear.

NM_198578.4(LRRK2):c.1496C>T (p.Pro499Leu)

Gene: LRRK2 (leucine rich repeat kinase 2; plus strand). Cytogenetic location: 12q12.
Variant type: single nucleotide variant.
Coding change: c.1496C>T on transcript NM_198578.4 (MANE Select); coding-DNA position 1496, C replaced by T.
Protein change: p.Pro499Leu; replaces proline 499 with leucine.
Molecular consequence: missense variant.
Genome position (GRCh38, 1-based): chr12:40,259,557, C>T. VCF-style: chr12-40259557-C-T. GRCh37 (hg19) VCF-style: chr12-40653359-C-T.
Other names: short protein forms P499L.
Identifiers: ClinVar variation 3540710 (VCV003540710.1).